The following is an entry in ClinVar:

ClinVar aggregate classification (germline): Pathogenic (0 of 4 stars; one submission).

Conditions:
Childhood apraxia of speech (SPCH1). Also called: Speech language disorder; DEVELOPMENTAL VERBAL DYSPRAXIA; SPEECH AND LANGUAGE DISORDER WITH OROFACIAL DYSPRAXIA; FOXP2-Related Speech and Language Disorder. Identifiers: Orphanet 209908, MedGen C0750927, MONDO:0011184, OMIM 602081.

Submission:

GeneReviews
Classification: Pathogenic for Childhood apraxia of speech. Last evaluated: 2016-03-02. Review status: no assertion criteria provided. Collection method: literature only. Allele origin: germline. Affected: yes. Observed: 1 variant allele.
Comment: Speech: Verbal dyspraxia Cognition: NAD Other: Dyslexia

Upstream deletion

Literature cited by the submitters: PubMed 25422445.

NC_000007.13:g.109049659_111130658del

Genes: IMMP2L (inner mitochondrial membrane peptidase subunit 2; minus strand), LRRN3 (leucine rich repeat neuronal 3; plus strand). Cytogenetic location: 7q31.1.
Variant type: Deletion.
Identifiers: ClinVar variation 242956 (VCV000242956.2).